The following is an entry in ClinVar:

ClinVar aggregate classification (germline): Likely benign (1 of 4 stars; one submission).

Allele frequency attached by ClinVar (database versions not stated): TOPMed 0.00002; ExAC 0.00003; gnomAD exomes 0.00002.
gnomAD v4.1: 21 of 1,605,096 alleles (0.0013%); highest among the groups gnomAD compares: South Asian, 0.0067%; 1 homozygote.

Submission:

GeneDx
Classification: Likely benign. Last evaluated: 2017-05-25. Review status: criteria provided, single submitter. Criteria: GeneDx Variant Classification (06012015). Collection method: clinical testing. Allele origin: germline. Affected: yes.
Comment: This variant is considered likely benign or benign based on one or more of the following criteria: it is a conservative change, it occurs at a poorly conserved position in the protein, it is predicted to be benign by multiple in silico algorithms, and/or has population frequency not consistent with disease.

NM_001267550.2(TTN):c.59927-20A>G

Genes: TTN (titin; minus strand), TTN-AS1 (TTN antisense RNA 1; plus strand), LOC126806424 (CDK7 strongly-dependent group 2 enhancer GRCh37_chr2:179456337-179457536; plus strand). Cytogenetic location: 2q31.2.
Variant type: single nucleotide variant.
Coding change: c.59927-20A>G on transcript NM_001267550.2 (MANE Select); 20 bases into the intron before coding-DNA position 59927, A replaced by G.
Molecular consequence: intron variant.
Genome position (GRCh38, 1-based): chr2:178,591,912, T>C on the plus strand (A>G on the coding strand, the complement: TTN is on the minus strand). VCF-style: chr2-178591912-T-C. GRCh37 (hg19) VCF-style: chr2-179456639-T-C.
Other names: c.55004-20A>G (NM_001256850.1); c.32732-20A>G (NM_003319.4); c.33308-20A>G (NM_133437.4); c.33107-20A>G (NM_133432.3); c.52223-20A>G (NM_133378.4).
Identifiers: ClinVar variation 509900 (VCV000509900.1), dbSNP rs762347403, ClinGen allele CA1992576.
Genomic context (GRCh38, chr2:178,591,912, plus strand): 5'-AACATCTACATGGTGCAGGTCCTTGGGTGGCCCTGGGGGATCTTTTCAAAGAAGAAGTTA[T>C]GATGAAAAAGTAATATTCTTAAAGACAGTCAAACAATAGTTTTGTATTCAGAGAAAGCAA-3'